The following is an entry in ClinVar:

NM_007294.4(BRCA1):c.5144G>A (p.Ser1715Asn)

Gene: BRCA1 (BRCA1 DNA repair associated; minus strand). Cytogenetic location: 17q21.31.
Variant type: single nucleotide variant.
Coding change: c.5144G>A on transcript NM_007294.4 (MANE Select); coding-DNA position 5144, G replaced by A.
Protein change: p.Ser1715Asn; replaces serine 1715 with asparagine.
Molecular consequence: missense variant. On other transcripts: non-coding transcript variant (1).
Genome position (GRCh38, 1-based): chr17:43,063,882, C>T on the plus strand (G>A on the coding strand, the complement: BRCA1 is on the minus strand). VCF-style: chr17-43063882-C-T. GRCh37 (hg19) VCF-style: chr17-41215899-C-T.
Other names: c.5003G>A, p.Ser1668Asn (NM_001407698.1, NM_001407724.1, NM_001407725.1 and 13 more transcripts); c.5000G>A, p.Ser1667Asn (NM_001407732.1, NM_001407742.1, NM_001407743.1 and 21 more transcripts); c.4808G>A, p.Ser1603Asn (NM_001407954.1, NM_001407955.1, NM_001407950.1 and 3 more transcripts); c.4805G>A, p.Ser1602Asn (NM_001407956.1, NM_001407957.1, NM_001407958.1); c.4763G>A, p.Ser1588Asn (NM_001407959.1); c.4760G>A, p.Ser1587Asn (NM_001407960.1, NM_001407962.1); c.4757G>A, p.Ser1586Asn (NM_001407963.1); c.4682G>A, p.Ser1561Asn (NM_001407964.1); and 71 more; short protein forms S1715N, S1736N, S1668N, S611N, S1418N, S1604N, S1626N, S1648N.
Identifiers: ClinVar variation 55416 (VCV000055416.28), dbSNP rs45444999, ClinGen allele CA003266.
Genomic context (GRCh38, chr17:43,063,882, plus strand): 5'-ATGCAATTCTGAGGTGTTAAAGGGAGGAGGGGAGAAATAGTATTATACTTACAGAAATAG[C>T]TAACTACCCATTTTCCTCCCGCAATTCCTAGAAAATATTTCAGTGTCCGTTCACACACAA-3'
Protein context (NP_009225.1, residues 1705-1725): LGIAGGKWVV[Ser1715Asn]YFWVTQSIKE

ClinVar aggregate classification (germline): Pathogenic. Review status: reviewed by expert panel (3 of 4 stars). 10 submissions from 10 submitters: Pathogenic (1). 9 of the submissions do not count toward it. Last evaluated 2019-06-18.

Conditions:
Breast-ovarian cancer, familial, susceptibility to, 1 (BROVCA1). Also called: BRCA1 Hereditary Breast and Ovarian Cancer; OVARIAN CANCER, SUSCEPTIBILITY TO. Identifiers: Orphanet 145, MedGen C2676676, MONDO:0011450, OMIM 604370. Disease mechanism: loss of function.
Hereditary cancer-predisposing syndrome. Also called: Hereditary Cancer Syndrome; Hereditary neoplastic syndrome; Neoplastic Syndromes, Hereditary; Tumor predisposition. Identifiers: Orphanet 140162, MedGen C0027672, MeSH D009386, MONDO:0015356.
Hereditary breast ovarian cancer syndrome. Also called: BRCA1- and BRCA2-Associated Hereditary Breast and Ovarian Cancer; Hereditary breast and ovarian cancer syndrome; Hereditary breast and ovarian cancer syndrome (HBOC); Breast and ovarian cancer; Hereditary breast and/or ovarian cancer syndrome; Hereditary breast and ovarian cancer. Identifiers: Orphanet 145, MedGen C0677776, MeSH D061325, MONDO:0003582. Disease mechanism: loss of function.

Allele frequency attached by ClinVar (database versions not stated): gnomAD exomes below 0.00001.
gnomAD v4.1: 2 of 1,612,670 alleles (0.00012%); highest among the groups gnomAD compares: Non-Finnish European, 0.00017%; no homozygotes.

Submissions 1 to 5 of 11:

Evidence-based Network for the Interpretation of Germline Mutant Alleles (ENIGMA)
Classification: Pathogenic for Breast-ovarian cancer, familial, susceptibility to, 1. Last evaluated: 2019-06-18. Review status: reviewed by expert panel. Criteria: ENIGMA BRCA1/2 Classification Criteria (2017-06-29). Collection method: curation. Allele origin: germline.
Comment: IARC class based on posterior probability from multifactorial likelihood analysis, thresholds for class as per Plon et al. 2008 (PMID: 18951446). Class 5 based on posterior probability = 0.999494

Labcorp Genetics (formerly Invitae), Labcorp
Classification: Pathogenic for Hereditary breast ovarian cancer syndrome. Last evaluated: 2025-05-06. Review status: criteria provided, single submitter. Criteria: Invitae Variant Classification Sherloc (09022015). Collection method: clinical testing. Allele origin: germline. Not counted in ClinVar's aggregate classification.
Comment: This sequence change replaces serine, which is neutral and polar, with asparagine, which is neutral and polar, at codon 1715 of the BRCA1 protein (p.Ser1715Asn). This variant is not present in population databases (gnomAD no frequency). This missense change has been observed in individual(s) with breast and/or ovarian cancer (PMID: 10508480, 22856468). It has also been observed to segregate with disease in related individuals. ClinVar contains an entry for this variant (Variation ID: 55416). Invitae Evidence Modeling incorporating data from in vitro experimental studies (PMID: 30209399) indicates that this missense variant is expected to disrupt BRCA1 function with a positive predictive value of 95%. Experimental studies have shown that this missense change affects BRCA1 function (PMID: 11157798, 20516115, 28781887, 30209399, 30765603). This variant disrupts the p.Ser1715 amino acid residue in BRCA1. Other variant(s) that disrupt this residue have been determined to be pathogenic (PMID: 11157798, 20516115, 29176636). This suggests that this residue is clinically significant, and that variants that disrupt this residue are likely to be disease-causing. For these reasons, this variant has been classified as Pathogenic.

Molecular Diagnostics Laboratory, Catalan Institute of Oncology
Classification: Pathogenic for Hereditary cancer-predisposing syndrome. Last evaluated: 2025-03-05. Review status: criteria provided, single submitter. Criteria: ClinGen BRCA1BRCA2 ACMG Specifications BRCA1 V1.0.0. Collection method: clinical testing. Allele origin: germline. Not counted in ClinVar's aggregate classification.
Comment: PS3, PM2_Supporting, PP4_VeryStrong c.5144G>A, located in exon 17 of the BRCA1 gene, is found in a (potentially) clinically important functional domain and is predicted to result in the substitution of Ser by Asn at codon 1715, p.(Ser1715Asn). It is not present in the population database gnomAD v2.1.1, non cancer dataset (PM2_supporting). The BayesDel_noAF predictor score for this variant (-0,047) suggests that it does not affect the protein function but the SpliceAI algorithm is indeterminate regarding the impact on splicing (SpliceAI-AcceptorGain score: 0.11). It has been reported by three calibrated studies to affect protein function similar to pathogenic control variants (PMIDs: 30209399, 30257991, 30765603) (PS3 met). RNA experimental analysis indicated no impact on splicing (PMIDs: 12955719, 21673748). Moreover, published clinical data for a multifactorial likelihood analysis (PMID: 31131967) showed a combined LR indicative of very strong evidence towards pathogenicity (LR 1016.9) (PP4_VeryStrong). In addition, the variant was also identified in the following databases: BRCA Exchange (Pathogenic: IARC class based on posterior probability from multifactorial likelihood analysis, thresholds for class as per Plon et al. 2008 (PMID: 18951446). Class 5 based on posterior probability = 0.999494), ClinVar (2x uncertain significance, 2x likely pathogenic, 4x pathogenic) and LOVD (6x NA). Based on currently available information, the variant c.5144G>A should be considered a pathogenic variant.

Ambry Genetics
Classification: Pathogenic for Hereditary cancer-predisposing syndrome. Last evaluated: 2023-12-15. Review status: criteria provided, single submitter. Criteria: Ambry Variant Classification Scheme 2023. Collection method: clinical testing. Allele origin: germline. Not counted in ClinVar's aggregate classification.
Comment: The p.S1715N pathogenic mutation (also known as c.5144G>A), located in coding exon 16 of the BRCA1 gene, results from a G to A substitution at nucleotide position 5144. The serine at codon 1715 is replaced by asparagine, an amino acid with highly similar properties. This alteration was found to segregate with both breast and ovarian cancer in multiple individuals from a large British family (Campbell J et al. Clin. Genet., 2013 May;83:485-7) and has been identified in a family with multiple cases of breast cancer from a cohort of 83 Spanish breast and/or ovarian cancer families (D&iacute;ez O et al. Int. J. Cancer, 1999 Nov;83:465-9). Numerous functional studies have shown that this variant is functionally defective including in homology directed repair, haploid cell survival, yeast growth retardation, transcriptional activation assays, binding activity and specificity, protease sensitivity, and overall stability (Vallon-Christersson J et al. Hum. Mol. Genet., 2001 Feb;10:353-60; Karchin R et al. PLoS Comput. Biol., 2007 Feb;3:e26; Lee MS et al. Cancer Res., 2010 Jun;70:4880-90; Rowling PJ et al. J. Biol. Chem., 2010 Jun;285:20080-7; Iversen ES et al. Cancer Epidemiol. Biomarkers Prev., 2011 Jun;20:1078-88; Findlay GM et al. Nature, 2018 10;562:217-222). This variant was determined to be pathogenic in a multifactorial analysis which combined family history, pathology, and co-segregation data (Parsons M. et al. Hum. Mutat. 2019 09;40(9):1557-1578). Internal structural analysis determined that this variant is highly destabilizing to the local structure (Ambry internal data). This amino acid position is highly conserved in available vertebrate species. In addition, the in silico prediction for this alteration is inconclusive. Based on the supporting evidence, this alteration is interpreted as a disease-causing mutation.

Color Diagnostics, LLC DBA Color Health
Classification: Pathogenic for Hereditary cancer-predisposing syndrome. Last evaluated: 2023-05-10. Review status: criteria provided, single submitter. Criteria: ACMG Guidelines, 2015. Collection method: clinical testing. Allele origin: germline. Not counted in ClinVar's aggregate classification.
Comment: This missense variant replaces serine with asparagine at codon 1715 of the BRCA1 protein. Computational prediction suggests that this variant may not impact protein structure and function (internally defined REVEL score threshold <= 0.5, PMID: 27666373). Functional studies have reported that this variant impacts BRCA1 function in a haploid cell proliferation assay, transcription activation assays, homology-directed DNA repair assay, a nuclear localization assay, and other ancillary assays (PMID: 11157798, 20516115, 29884841, 30209399, 30257991). This variant has been reported in affected members of two hereditary breast and ovarian cancer families (PMID: 12955716, 12955719, 22856468) and reported in additional suspected hereditary breast and ovarian cancer families (PMID: 34597585). This variant is reported to segregate with breast and/or ovarian cancer (PMID: 12955716, 12955719, 22856468), and two multifactorial analysis have reported likelihood ratios for pathogenicity based on segregation of 57.86 and 167.97 (PMID: 31131967, 34597585). This variant has not been identified in the general population by the Genome Aggregation Database (gnomAD). Based on the available evidence, this variant is classified as Pathogenic.